The following is an entry in ClinVar:

ClinVar aggregate classification (germline): Pathogenic (1 of 4 stars; one submission).

Conditions:
Granulomatous disease, chronic, X-linked. Also called: GRANULOMATOUS DISEASE, CHRONIC, X-LINKED, SOMATIC MOSAIC; CYTOCHROME b-NEGATIVE GRANULOMATOUS DISEASE, CHRONIC, X-LINKED. Identifiers: Orphanet 379, MedGen C1844376, MONDO:0010600, OMIM 306400.

Submission:

Labcorp Genetics (formerly Invitae), Labcorp
Classification: Pathogenic for Granulomatous disease, chronic, X-linked. Last evaluated: 2023-01-23. Review status: criteria provided, single submitter. Criteria: Invitae Variant Classification Sherloc (09022015). Collection method: clinical testing. Allele origin: germline.
Comment: For these reasons, this variant has been classified as Pathogenic. Algorithms developed to predict the effect of sequence changes on RNA splicing suggest that this variant may disrupt the consensus splice site. This variant is also known as 1162-1163 AA + 5' intron 9 gt del. This variant has been observed in individuals with chronic granulomatous disease (PMID: 9454688, 35140711). This variant is not present in population databases (gnomAD no frequency). This variant results in the deletion of part of exon 9 (c.1150_1151+2del) of the CYBB gene. It is expected to disrupt RNA splicing. Variants that disrupt the donor or acceptor splice site typically lead to a loss of protein function (PMID: 16199547), and loss-of-function variants in CYBB are known to be pathogenic (PMID: 9585602, 20729109).

Literature cited by the submitters: PubMed 9454688; PubMed 35140711; PubMed 16199547; PubMed 9585602; PubMed 20729109.

NM_000397.4(CYBB):c.1150_1151+2del

Gene: CYBB (cytochrome b-245 beta chain; plus strand). Cytogenetic location: Xp11.4.
Variant type: Deletion.
Coding change: c.1150_1151+2del on transcript NM_000397.4 (MANE Select); coding-DNA position 1150 through the canonical splice donor site of the intron after coding-DNA position 1151, 4 bases deleted (AAGT; older notation c.1150_1151+2delAAGT).
Molecular consequence: splice donor variant.
Genome position (GRCh38, 1-based): chrX:37,804,129-37,804,132, AAGT deleted; deleting any 4 consecutive bases within chrX:37,804,128-37,804,132 gives the same sequence; the c. name uses the placement nearest the transcript's 3' end. VCF-style (leftmost placement, unchanged base first): chrX-37804127-CTAAG-C. GRCh37 (hg19) VCF-style: chrX-37663380-CTAAG-C.
Identifiers: ClinVar variation 2737189 (VCV002737189.3), dbSNP rs2519208920, ClinGen allele CA2695233188.